The following is an entry in ClinVar:

ClinVar aggregate classification (germline): Likely pathogenic (1 of 4 stars; one submission).

Conditions:
Pigmentary retinal dystrophy. Also called: Fundus albipunctatus. Identifiers: Orphanet 227796, Orphanet 52427, MedGen C0311338, MONDO:0007639, OMIM 136880, HP:0030642.

Submission:

Centre for Mendelian Genomics, University Medical Centre Ljubljana
Classification: Likely pathogenic for Pigmentary retinal dystrophy. Last evaluated: 2016-01-01. Review status: criteria provided, single submitter. Criteria: ACMG Guidelines, 2015. Collection method: clinical testing. Allele origin: unknown. Affected: yes.
Comment: This variant was classified as: Likely pathogenic. The following ACMG criteria were applied in classifying this variant: PVS1,PM2.

NM_000322.5(PRPH2):c.793dup (p.Met265fs)

Gene: PRPH2 (peripherin 2; minus strand). Cytogenetic location: 6p21.1.
Variant type: Duplication.
Coding change: c.793dup on transcript NM_000322.5 (MANE Select); coding-DNA position 793, one base duplicated (A; older notation c.793dupA).
Protein change: p.Met265fs; shifts the reading frame from methionine 265.
Molecular consequence: frameshift variant.
Genome position (GRCh38, 1-based): chr6:42,704,400, T duplicated on the plus strand (A on the coding strand, the reverse complement: PRPH2 is on the minus strand). VCF-style (leftmost placement, unchanged base first): chr6-42704399-A-AT. GRCh37 (hg19) VCF-style: chr6-42672137-A-AT.
Other names: short protein forms M265fs.
Identifiers: ClinVar variation 932046 (VCV000932046.3), dbSNP rs1800110234, ClinGen allele CA1139659515.